The following is an entry in ClinVar:

ClinVar aggregate classification (germline): Pathogenic (1 of 4 stars; one submission).

Allele frequency attached by ClinVar (database versions not stated): ExAC 0.00002; gnomAD 0.00003; TOPMed 0.00003; ESP Exome Variant Server 0.00008.

Submission:

Labcorp Genetics (formerly Invitae), Labcorp
Classification: Pathogenic. Last evaluated: 2025-04-17. Review status: criteria provided, single submitter. Criteria: Invitae Variant Classification Sherloc (09022015). Collection method: clinical testing. Allele origin: germline.
Comment: This sequence change replaces arginine, which is basic and polar, with tryptophan, which is neutral and slightly polar, at codon 83 of the GGCX protein (p.Arg83Trp). This variant is present in population databases (rs144699669, gnomAD 0.003%). This missense change has been observed in individual(s) with pseudoxanthoma elasticum-like disorder with multiple coagulation factor deficiency (PMID: 19116367, 26944767). In at least one individual the data is consistent with being in trans (on the opposite chromosome) from a pathogenic variant. It has also been observed to segregate with disease in related individuals. ClinVar contains an entry for this variant (Variation ID: 2203111). Invitae Evidence Modeling of protein sequence and biophysical properties (such as structural, functional, and spatial information, amino acid conservation, physicochemical variation, residue mobility, and thermodynamic stability) indicates that this missense variant is expected to disrupt GGCX protein function with a positive predictive value of 80%. Experimental studies have shown that this missense change affects GGCX function (PMID: 33507293). For these reasons, this variant has been classified as Pathogenic.

Literature cited by the submitters: PubMed 19116367; PubMed 26944767; PubMed 33507293.

NM_000821.7(GGCX):c.247C>T (p.Arg83Trp)

Gene: GGCX (gamma-glutamyl carboxylase; minus strand). Cytogenetic location: 2p11.2.
Variant type: single nucleotide variant.
Coding change: c.247C>T on transcript NM_000821.7 (MANE Select); coding-DNA position 247, C replaced by T.
Protein change: p.Arg83Trp; replaces arginine 83 with tryptophan.
Molecular consequence: missense variant.
Genome position (GRCh38, 1-based): chr2:85,559,043, G>A on the plus strand (C>T on the coding strand, the complement: GGCX is on the minus strand). VCF-style: chr2-85559043-G-A. GRCh37 (hg19) VCF-style: chr2-85786166-G-A.
Other names: c.76C>T, p.Arg26Trp (NM_001142269.4); c.247C>T, p.Arg83Trp (NM_001311312.3); short protein forms R26W, R83W.
Identifiers: ClinVar variation 2203111 (VCV002203111.4), dbSNP rs144699669, ClinGen allele CA1742181.